The following is an entry in ClinVar:

NM_001042681.2(RERE):c.430A>C (p.Thr144Pro)

Gene: RERE (arginine-glutamic acid dipeptide repeats; minus strand). Cytogenetic location: 1p36.23.
Variant type: single nucleotide variant.
Coding change: c.430A>C on transcript NM_001042681.2 (MANE Select); coding-DNA position 430, A replaced by C.
Protein change: p.Thr144Pro; replaces threonine 144 with proline.
Molecular consequence: missense variant.
Genome position (GRCh38, 1-based): chr1:8,614,653, T>G on the plus strand (A>C on the coding strand, the complement: RERE is on the minus strand). VCF-style: chr1-8614653-T-G. GRCh37 (hg19) VCF-style: chr1-8674712-T-G.
Other names: c.430A>C, p.Thr144Pro (NM_012102.4); short protein forms T144P.
Identifiers: ClinVar variation 2526297 (VCV002526297.5), dbSNP rs781215401, ClinGen allele CA572077.
Genomic context (GRCh38, chr1:8,614,653, plus strand): 5'-GCTGTGGTGGCTGTGATGCCACCGGCAGAGAGCATGCTGGGGGGTCACACAAAGCAGGAG[T>G]TGGAGATCTGCAACAGGCCTGGGAGTTGTGGACCTAAAAAAGAAAACAGTTTTAAGTTAA-3'
Protein context (NP_001036146.1, residues 134-154): HNSQACCRSP[Thr144Pro]PALCDPPACS

ClinVar aggregate classification (germline): Uncertain significance. Review status: criteria provided, multiple submitters, no conflicts (2 of 4 stars). 2 submissions from 2 submitters: Uncertain significance (2). Last evaluated 2023-10-16.

Conditions:
Inborn genetic diseases. Identifiers: MedGen C0950123, MeSH D030342.

Allele frequency attached by ClinVar (database versions not stated): ExAC 0.00001.
gnomAD v4.1: 16 of 1,611,296 alleles (0.00099%); highest among the groups gnomAD compares: South Asian, 0.0033%; no homozygotes.

Submissions (2):

Labcorp Genetics (formerly Invitae), Labcorp
Classification: Uncertain significance. Last evaluated: 2023-10-16. Review status: criteria provided, single submitter. Criteria: Invitae Variant Classification Sherloc (09022015). Collection method: clinical testing. Allele origin: germline.
Comment: This sequence change replaces threonine, which is neutral and polar, with proline, which is neutral and non-polar, at codon 144 of the RERE protein (p.Thr144Pro). This variant is present in population databases (rs781215401, gnomAD 0.003%). This variant has not been reported in the literature in individuals affected with RERE-related conditions. ClinVar contains an entry for this variant (Variation ID: 2526297). Advanced modeling of protein sequence and biophysical properties (such as structural, functional, and spatial information, amino acid conservation, physicochemical variation, residue mobility, and thermodynamic stability) performed at Invitae indicates that this missense variant is not expected to disrupt RERE protein function. In summary, the available evidence is currently insufficient to determine the role of this variant in disease. Therefore, it has been classified as a Variant of Uncertain Significance.

Ambry Genetics
Classification: Uncertain significance for Inborn genetic diseases. Last evaluated: 2023-03-17. Review status: criteria provided, single submitter. Criteria: Ambry Variant Classification Scheme 2023. Collection method: clinical testing. Allele origin: germline.